The following is an entry in ClinVar:

ClinVar aggregate classification (germline): Uncertain significance (1 of 4 stars; one submission).

Conditions:
Inborn genetic diseases. Identifiers: MedGen C0950123, MeSH D030342.

gnomAD v4.1: 1 of 1,614,014 alleles (0.000062%); highest among the groups gnomAD compares: Non-Finnish European, 0.000085%; no homozygotes.

Submission:

Ambry Genetics
Classification: Uncertain significance for Inborn genetic diseases. Last evaluated: 2025-03-07. Review status: criteria provided, single submitter. Criteria: Ambry Variant Classification Scheme 2023. Collection method: clinical testing. Allele origin: germline.
Comment: The p.L542R variant (also known as c.1625T>G), located in coding exon 12 of the ASXL1 gene, results from a T to G substitution at nucleotide position 1625. The leucine at codon 542 is replaced by arginine, an amino acid with dissimilar properties. This amino acid position is conserved. In addition, the in silico prediction for this alteration is inconclusive. Based on the available evidence, the clinical significance of this variant remains unclear.

NM_015338.6(ASXL1):c.1625T>G (p.Leu542Arg)

Gene: ASXL1 (ASXL transcriptional regulator 1; plus strand). Cytogenetic location: 20q11.21.
Variant type: single nucleotide variant.
Coding change: c.1625T>G on transcript NM_015338.6 (MANE Select); coding-DNA position 1625, T replaced by G.
Protein change: p.Leu542Arg; replaces leucine 542 with arginine.
Molecular consequence: missense variant.
Genome position (GRCh38, 1-based): chr20:32,433,823, T>G. VCF-style: chr20-32433823-T-G. GRCh37 (hg19) VCF-style: chr20-31021626-T-G.
Other names: c.1442T>G, p.Leu481Arg (NM_001363734.1); short protein forms L481R, L542R.
Identifiers: ClinVar variation 3794165 (VCV003794165.1).